The following is an entry in ClinVar:

NM_001166108.2(PALLD):c.2199+4C>T

Genes: CBR4 (carbonyl reductase 4; minus strand), PALLD (palladin, cytoskeletal associated protein; plus strand). Cytogenetic location: 4q32.3.
Variant type: single nucleotide variant.
Coding change: c.2199+4C>T on transcript NM_001166108.2 (MANE Select); 4 bases into the intron after coding-DNA position 2199, C replaced by T.
Molecular consequence: intron variant.
Genome position (GRCh38, 1-based): chr4:168,894,681, C>T. VCF-style: chr4-168894681-C-T. GRCh37 (hg19) VCF-style: chr4-169815832-C-T.
Other names: c.2199+4C>T (NM_016081.4); c.1053+4C>T (NM_001166109.2); c.738+4C>T (NM_001166110.2); c.78+4C>T (NM_001367570.1, NM_001367568.1, NM_001367567.1 and 1 more transcripts).
Identifiers: ClinVar variation 410609 (VCV000410609.10), dbSNP rs1060502973, ClinGen allele CA16611608.
Genomic context (GRCh38, chr4:168,894,681, plus strand): 5'-GCTGACAGTGCAACTGTCTTTAATATTCAGGAGCCAGAAGAGGAAACAGCTAATCAGGTA[C>T]CATGTTGCTCTGGACTTCTTAGGGTAACATTTATTCTGTCCCCCTTTTCCATCTTCCTTA-3'

ClinVar aggregate classification (germline): Uncertain significance. Review status: criteria provided, multiple submitters, no conflicts (2 of 4 stars). 2 submissions from 2 submitters: Uncertain significance (2). Last evaluated 2025-08-01.

Conditions:
Pancreatic adenocarcinoma. Identifiers: MedGen C0281361, MONDO:0006047, HP:0006725.

Allele frequency attached by ClinVar (database versions not stated): gnomAD 0.00001; TOPMed 0.00001; gnomAD exomes below 0.00001.
gnomAD v4.1: 5 of 1,611,694 alleles (0.00031%); highest among the groups gnomAD compares: Non-Finnish European, 0.00034%; no homozygotes.

Submissions (2):

Ambry Genetics
Classification: Uncertain significance. Last evaluated: 2025-08-01. Review status: criteria provided, single submitter. Criteria: Ambry Variant Classification Scheme 2023. Collection method: clinical testing. Allele origin: germline.
Comment: The c.738+4C>T intronic variant results from a C to T substitution 4 nucleotides after coding exon 3 in the PALLD gene. This nucleotide position is well conserved in available vertebrate species. In silico splice site analysis predicts that this alteration will not have any significant effect on splicing. The evidence for this gene-disease relationship is limited; therefore, the clinical significance of this alteration is unclear.

Labcorp Genetics (formerly Invitae), Labcorp
Classification: Uncertain significance for Pancreatic adenocarcinoma. Last evaluated: 2024-03-02. Review status: criteria provided, single submitter. Criteria: Invitae Variant Classification Sherloc (09022015). Collection method: clinical testing. Allele origin: germline.
Comment: This sequence change falls in intron 4 of the PALLD gene. It does not directly change the encoded amino acid sequence of the PALLD protein. It affects a nucleotide within the consensus splice site. This variant is present in population databases (no rsID available, gnomAD 0.0009%). This variant has not been reported in the literature in individuals affected with PALLD-related conditions. ClinVar contains an entry for this variant (Variation ID: 410609). Variants that disrupt the consensus splice site are a relatively common cause of aberrant splicing (PMID: 17576681, 9536098). Algorithms developed to predict the effect of sequence changes on RNA splicing suggest that this variant is not likely to affect RNA splicing. In summary, the available evidence is currently insufficient to determine the role of this variant in disease. Therefore, it has been classified as a Variant of Uncertain Significance.

Literature cited by the submitters: PubMed 17576681 (cited by Labcorp Genetics (formerly Invitae), Labcorp); PubMed 9536098 (cited by Labcorp Genetics (formerly Invitae), Labcorp).